The following is an entry in ClinVar:

ClinVar aggregate classification (germline): Likely benign. Review status: criteria provided, single submitter (1 of 4 stars). 2 submissions from 2 submitters: Likely benign (1). 1 of the submissions does not count toward it. Last evaluated 2025-12-28.

Conditions:
TAP1-related disorder. Also called: TAP1-related condition.
MHC class I deficiency. Identifiers: Orphanet 34592, MedGen C6024714, MONDO:0011476.

Allele frequency attached by ClinVar (database versions not stated): 1000 Genomes Project 30x 0.00016; gnomAD exomes 0.00021; 1000 Genomes Project 0.00020; TOPMed 0.00028; gnomAD 0.00038 and 0.00040; ESP Exome Variant Server 0.00071; ExAC 0.00018.
gnomAD v4.1: 159 of 1,610,168 alleles (0.0099%); highest among the groups gnomAD compares: African/African-American, 0.11%; no homozygotes.

Submissions (2):

Labcorp Genetics (formerly Invitae), Labcorp
Classification: Likely benign for MHC class I deficiency 1. Last evaluated: 2025-12-28. Review status: criteria provided, single submitter. Criteria: Invitae Variant Classification Sherloc (09022015). Collection method: clinical testing. Allele origin: germline.

PreventionGenetics, part of Exact Sciences
Classification: Likely benign for TAP1-related condition. Last evaluated: 2019-05-01. Review status: no assertion criteria provided. Collection method: clinical testing. Allele origin: germline. Not counted in ClinVar's aggregate classification.
Comment: This variant is classified as likely benign based on ACMG/AMP sequence variant interpretation guidelines (Richards et al. 2015 PMID: 25741868, with internal and published modifications).

NM_000593.6(TAP1):c.159A>G (p.Pro53=)

Gene: TAP1 (transporter 1, ATP binding cassette subfamily B member; minus strand). Cytogenetic location: 6p21.32.
Variant type: single nucleotide variant.
Coding change: c.159A>G on transcript NM_000593.6 (MANE Select); coding-DNA position 159, A replaced by G.
Protein change: p.Pro53=; no amino-acid change (proline 53 retained).
Molecular consequence: synonymous variant.
Genome position (GRCh38, 1-based): chr6:32,853,478, T>C on the plus strand (A>G on the coding strand, the complement: TAP1 is on the minus strand). VCF-style: chr6-32853478-T-C. GRCh37 (hg19) VCF-style: chr6-32821255-T-C.
Identifiers: ClinVar variation 534735 (VCV000534735.13), dbSNP rs144037908, ClinGen allele CA3747060.